The following is an entry in ClinVar:

NM_000136.3(FANCC):c.1048A>G (p.Met350Val)

Genes: AOPEP (aminopeptidase O (putative); plus strand), FANCC (FA complementation group C; minus strand). Cytogenetic location: 9q22.32.
Variant type: single nucleotide variant.
Coding change: c.1048A>G on transcript NM_000136.3 (MANE Select); coding-DNA position 1048, A replaced by G.
Protein change: p.Met350Val; replaces methionine 350 with valine.
Molecular consequence: missense variant.
Genome position (GRCh38, 1-based): chr9:95,117,339, T>C on the plus strand (A>G on the coding strand, the complement: FANCC is on the minus strand). VCF-style: chr9-95117339-T-C. GRCh37 (hg19) VCF-style: chr9-97879621-T-C.
Other names: c.1048A>G, p.Met350Val (NM_001243743.2, NM_001243744.2); short protein forms M350V.
Identifiers: ClinVar variation 216281 (VCV000216281.32), dbSNP rs863224607, ClinGen allele CA335659.

ClinVar aggregate classification (germline): Conflicting classifications of pathogenicity. Review status: criteria provided, conflicting classifications (1 of 4 stars). 8 submissions from 8 submitters: Uncertain significance (5); Likely benign (2). 1 of the submissions does not count toward it. Last evaluated 2026-01-16.

Conditions:
Hereditary cancer-predisposing syndrome. Also called: Hereditary Cancer Syndrome; Hereditary neoplastic syndrome; Neoplastic Syndromes, Hereditary; Tumor predisposition. Identifiers: Orphanet 140162, MedGen C0027672, MeSH D009386, MONDO:0015356.
Fanconi anemia (FA). Also called: Fanconi's anemia. Identifiers: Orphanet 84, MedGen C0015625, MeSH D005199, MONDO:0019391.
Fanconi anemia complementation group C (FANCC). Also called: Fanconi anemia, group C; FANCC-Related Fanconi Anemia; FANCONI PANCYTOPENIA, TYPE 3; FACC. Identifiers: Orphanet 84, MedGen C3468041, MONDO:0009213, OMIM 227645.

Allele frequency attached by ClinVar (database versions not stated): gnomAD 0.00001; TOPMed 0.00001; gnomAD exomes below 0.00001.
gnomAD v4.1: 26 of 1,613,956 alleles (0.0016%); highest among the groups gnomAD compares: Non-Finnish European, 0.002%; 1 homozygote.

Submissions (8):

Labcorp Genetics (formerly Invitae), Labcorp
Classification: Likely benign for Fanconi anemia. Last evaluated: 2026-01-16. Review status: criteria provided, single submitter. Criteria: Invitae Variant Classification Sherloc (09022015). Collection method: clinical testing. Allele origin: germline.

GeneDx
Classification: Uncertain significance. Last evaluated: 2024-06-27. Review status: criteria provided, single submitter. Criteria: GeneDx Variant Classification Process June 2021. Collection method: clinical testing. Allele origin: germline. Affected: yes.
Comment: Not observed at significant frequency in large population cohorts (gnomAD); In silico analysis indicates that this missense variant does not alter protein structure/function; Observed in an individual with ovarian cancer (PMID: 32546565); This variant is associated with the following publications: (PMID: 12750283, 15277238, Gordon2000[Book], 32546565)

Ambry Genetics
Classification: Likely benign for Hereditary cancer-predisposing syndrome. Last evaluated: 2024-06-11. Review status: criteria provided, single submitter. Criteria: Ambry Variant Classification Scheme 2023. Collection method: clinical testing. Allele origin: germline.

Fulgent Genetics
Classification: Uncertain significance for Fanconi anemia complementation group C. Last evaluated: 2024-03-28. Review status: criteria provided, single submitter. Criteria: ACMG Guidelines, 2015. Collection method: clinical testing. Allele origin: germline.

Quest Diagnostics Nichols Institute San Juan Capistrano
Classification: Uncertain significance. Last evaluated: 2023-07-11. Review status: criteria provided, single submitter. Criteria: Quest Diagnostics criteria. Collection method: clinical testing. Allele origin: unknown.
Comment: In the published literature, this variant has been reported in an individual with ovarian cancer (PMID: 32546565 (2021)). This variant has also been reported as somatic variant detected in pancreatic cancer (PMID: 15277238 (2004), 12750283 (2003)). The frequency of this variant in the general population, 0.00006 (2/282728chromosomes (Genome Aggregation Database)), is uninformative in the assessment of its pathogenicity. Analysis of this variant using bioinformatics tools for the prediction of the effect of amino acid changes on protein structure and function yielded predictions that this variant is benign. Based on the available information, we are unable to determine the clinical significance of this variant.

Women's Health and Genetics/Laboratory Corporation of America, LabCorp
Classification: Uncertain significance. Last evaluated: 2022-07-18. Review status: criteria provided, single submitter. Criteria: LabCorp Variant Classification Summary - May 2015. Collection method: clinical testing. Allele origin: germline.
Comment: Variant summary: FANCC c.1048A>G (p.Met350Val) results in a conservative amino acid change in the encoded protein sequence. Five of five in-silico tools predict a benign effect of the variant on protein function. The variant allele was found at a frequency of 4e-06 in 251324 control chromosomes (gnomAD). The available data on variant occurrences in the general population are insufficient to allow any conclusion about variant significance. To our knowledge, no occurrence of c.1048A>G in individuals affected with Fanconi Anemia Group C and no experimental evidence demonstrating its impact on protein function have been reported. Five ClinVar submitters (evaluation after 2014) cite the variant as uncertain significance. Based on the evidence outlined above, the variant was classified as uncertain significance.

Baylor Genetics
Classification: Uncertain significance for Fanconi anemia complementation group C. Last evaluated: 2020-01-20. Review status: criteria provided, single submitter. Criteria: ACMG Guidelines, 2015. Collection method: clinical testing. Allele origin: unknown. Affected: yes. Study: CSER-TexasKidsCanSeq.
Comment: This variant was determined to be of uncertain significance according to ACMG Guidelines, 2015 [PMID:25741868].

Natera, Inc.
Classification: Uncertain significance for Fanconi anemia. Last evaluated: 2018-08-22. Review status: no assertion criteria provided. Collection method: clinical testing. Allele origin: germline. Not counted in ClinVar's aggregate classification.

Literature cited by the submitters: PubMed 12750283 (cited by Quest Diagnostics Nichols Institute San Juan Capistrano); PubMed 15277238 (cited by Quest Diagnostics Nichols Institute San Juan Capistrano); PubMed 32546565 (cited by Quest Diagnostics Nichols Institute San Juan Capistrano); PubMed 35739269 (cited by Quest Diagnostics Nichols Institute San Juan Capistrano).